The following is an entry in ClinVar:

NM_001852.4(COL9A2):c.*543G>A

Gene: COL9A2 (collagen type IX alpha 2 chain; minus strand). Cytogenetic location: 1p34.2.
Variant type: single nucleotide variant.
Coding change: c.*543G>A on transcript NM_001852.4 (MANE Select); 543 bases downstream of the stop codon, G replaced by A.
Molecular consequence: 3 prime UTR variant.
Genome position (GRCh38, 1-based): chr1:40,300,639, C>T on the plus strand (G>A on the coding strand, the complement: COL9A2 is on the minus strand). VCF-style: chr1-40300639-C-T. GRCh37 (hg19) VCF-style: chr1-40766311-C-T.
Identifiers: ClinVar variation 297280 (VCV000297280.5), dbSNP rs75291055, ClinGen allele CA10610193.

ClinVar aggregate classification (germline): Benign (1 of 4 stars; one submission).

Conditions:
Epiphyseal dysplasia, multiple, 2 (EDM2). Also called: COL9A2-Related Multiple Epiphyseal Dysplasia. Identifiers: MedGen C1838429, MONDO:0010844, OMIM 600204.

Allele frequency attached by ClinVar (database versions not stated): gnomAD exomes 0.00236; gnomAD 0.04290 and 0.04607; 1000 Genomes Project 0.04473; 1000 Genomes Project 30x 0.04638; TOPMed 0.04869.

Submission:

Illumina Laboratory Services, Illumina
Classification: Benign for Epiphyseal dysplasia, multiple, 2. Last evaluated: 2018-01-12. Review status: criteria provided, single submitter. Criteria: ICSL Variant Classification Criteria 13 December 2019. Collection method: clinical testing. Allele origin: germline.
Comment: This variant was observed in the ICSL laboratory as part of a predisposition screen in an ostensibly healthy population. It had not been previously curated by ICSL or reported in the Human Gene Mutation Database (HGMD: prior to June 1st, 2018), and was therefore a candidate for classification through an automated scoring system. Utilizing variant allele frequency, disease prevalence and penetrance estimates, and inheritance mode, an automated score was calculated to assess if this variant is too frequent to cause the disease. Based on the score and internal cut-off values, a variant classified as benign is not then subjected to further curation. The score for this variant resulted in a classification of benign for this disease.